The following is an entry in ClinVar:

NM_000545.8(HNF1A):c.526+2del

Gene: HNF1A (HNF1 homeobox A; plus strand). Cytogenetic location: 12q24.31.
Variant type: Deletion.
Coding change: c.526+2del on transcript NM_000545.8 (MANE Select); the canonical splice donor site of the intron after coding-DNA position 526, one base deleted (T; older notation c.526+2delT).
Molecular consequence: splice donor variant.
Genome position (GRCh38, 1-based): chr12:120,989,034, T deleted. VCF-style (leftmost placement, unchanged base first): chr12-120989033-GT-G. GRCh37 (hg19) VCF-style: chr12-121426836-GT-G.
Other names: NM_001306179.2:c.526+2del; c.526+2del (NM_001306179.2, NM_001406915.1).
Identifiers: ClinVar variation 3767146 (VCV003767146.1).
Genomic context (GRCh38, chr12:120,989,033, plus strand): 5'-CGCAGAAGCGGGCCGCCCTGTACACCTGGTACGTCCGCAAGCAGCGAGAGGTGGCGCAGC[GT>G]AAGTAATGACCCTACCCCGCATCTTCCCTGGGAGGGCCCAGGACTCTCCCCTAACTCATA-3'

ClinVar aggregate classification (germline): Pathogenic (3 of 4 stars; one submission).

Conditions:
Monogenic diabetes. Identifiers: Orphanet 183625, MedGen C3888631, MONDO:0015967.

Submission:

ClinGen Monogenic Diabetes Variant Curation Expert Panel
Classification: Pathogenic for Monogenic diabetes. Last evaluated: 2025-02-11. Review status: reviewed by expert panel. Criteria: ClinGen Diabetes ACMG Specifications HNF1A V2.1.0. Collection method: curation. Allele origin: germline. Inheritance: Autosomal dominant inheritance.
Comment: The c.526+2del variant in the HNF1 homeobox A gene, HNF1A, is predicted to remove a canonical splice donor site in intron 2 of NM_000545.8. This variant, located in the splice donor for the biologically-relevant exon 2 of 10, is predicted to lead to nonsense mediated decay in a gene in which loss-of-function is an established disease mechanism (PVS1; PMID: 23348805). This variant is absent from gnomAD v2.1.1 (PM2_Supporting). This variant segregated with diabetes, with four informative meioses in two families (PP1_Strong; internal lab contributors). This variant was identified in two unrelated individuals with non-autoimmune and non-absolute/near-absolute insulin-deficient diabetes; however, PS4_Moderate cannot be applied because this number is below the ClinGen MDEP threshold (internal lab contributors). In summary, c.526+2del meets the criteria to be classified as pathogenic for monogenic diabetes. ACMG/AMP criteria applied, as specified by the ClinGen MDEP (specification version 2.1.0, approved 8/11/2023): PVS1, PM2_Supporting, PP1_Strong.

Literature cited by the submitters: PubMed 23348805.